The following is an entry in ClinVar:

ClinVar aggregate classification (germline): Uncertain significance. Review status: criteria provided, multiple submitters, no conflicts (2 of 4 stars). 2 submissions from 2 submitters: Uncertain significance (2). Last evaluated 2024-07-08.

Conditions:
Inborn genetic diseases. Identifiers: MedGen C0950123, MeSH D030342.
Early-infantile DEE. Also called: Ohtahara syndrome; Early infantile epileptic encephalopathy with suppression bursts; Early infantile epileptic encephalopathy. Identifiers: Orphanet 1934, MedGen C0393706, MONDO:0800491.

Allele frequency attached by ClinVar (database versions not stated): gnomAD exomes below 0.00001.
gnomAD v4.1: 3 of 1,517,920 alleles (0.0002%); highest among the groups gnomAD compares: Non-Finnish European, 0.00018%; no homozygotes.

Submissions (2):

Labcorp Genetics (formerly Invitae), Labcorp
Classification: Uncertain significance for Early-infantile DEE. Last evaluated: 2024-07-08. Review status: criteria provided, single submitter. Criteria: Invitae Variant Classification Sherloc (09022015). Collection method: clinical testing. Allele origin: germline.
Comment: This sequence change replaces arginine, which is basic and polar, with cysteine, which is neutral and slightly polar, at codon 741 of the KCNQ2 protein (p.Arg741Cys). This variant is not present in population databases (gnomAD no frequency). This variant has not been reported in the literature in individuals affected with KCNQ2-related conditions. ClinVar contains an entry for this variant (Variation ID: 846206). An algorithm developed to predict the effect of missense changes on protein structure and function (PolyPhen-2) suggests that this variant is likely to be disruptive. In summary, the available evidence is currently insufficient to determine the role of this variant in disease. Therefore, it has been classified as a Variant of Uncertain Significance.

Ambry Genetics
Classification: Uncertain significance for Inborn genetic diseases. Last evaluated: 2021-11-09. Review status: criteria provided, single submitter. Criteria: Ambry Variant Classification Scheme 2023. Collection method: clinical testing. Allele origin: germline.

NM_172107.4(KCNQ2):c.2221C>T (p.Arg741Cys)

Gene: KCNQ2 (potassium voltage-gated channel subfamily Q member 2; minus strand). Cytogenetic location: 20q13.33.
Variant type: single nucleotide variant.
Coding change: c.2221C>T on transcript NM_172107.4 (MANE Select); coding-DNA position 2221, C replaced by T.
Protein change: p.Arg741Cys; replaces arginine 741 with cysteine.
Molecular consequence: missense variant.
Genome position (GRCh38, 1-based): chr20:63,407,042, G>A on the plus strand (C>T on the coding strand, the complement: KCNQ2 is on the minus strand). VCF-style: chr20-63407042-G-A. GRCh37 (hg19) VCF-style: chr20-62038395-G-A.
Other names: c.2137C>T, p.Arg713Cys (NM_004518.6); c.2167C>T, p.Arg723Cys (NM_172106.3); c.2128C>T, p.Arg710Cys (NM_172108.5); short protein forms R713C, R723C, R741C, R710C.
Identifiers: ClinVar variation 846206 (VCV000846206.11), dbSNP rs2079965070, ClinGen allele CA409638424.